The following is an entry in ClinVar:

NM_000203.5(IDUA):c.1282C>T (p.Gln428Ter)

Gene: IDUA (alpha-L-iduronidase; plus strand). Cytogenetic location: 4p16.3.
Variant type: single nucleotide variant.
Coding change: c.1282C>T on transcript NM_000203.5 (MANE Select); coding-DNA position 1282, C replaced by T.
Protein change: p.Gln428Ter; replaces glutamine 428 with a stop codon.
Molecular consequence: nonsense. On other transcripts: non-coding transcript variant (1).
Genome position (GRCh38, 1-based): chr4:1,002,824, C>T. VCF-style: chr4-1002824-C-T. GRCh37 (hg19) VCF-style: chr4-996612-C-T.
Other names: c.886C>T, p.Gln296Ter (NM_001363576.1); short protein forms Q296*, Q428*.
Identifiers: ClinVar variation 1722339 (VCV001722339.1), dbSNP rs2534092933, ClinGen allele CA355963799.

ClinVar aggregate classification (germline): Likely pathogenic (1 of 4 stars; one submission).

Conditions:
Mucopolysaccharidosis type 1. Also called: IDUA deficiency; MPS I. Identifiers: Orphanet 579, MedGen C0023786, MONDO:0001586.

Submission:

Women's Health and Genetics/Laboratory Corporation of America, LabCorp
Classification: Likely pathogenic for Mucopolysaccharidosis type 1. Last evaluated: 2022-09-18. Review status: criteria provided, single submitter. Criteria: LabCorp Variant Classification Summary - May 2015. Collection method: clinical testing. Allele origin: germline.
Comment: Variant summary: IDUA c.1282C>T (p.Gln428X) results in a premature termination codon, predicted to cause a truncation of the encoded protein or absence of the protein due to nonsense mediated decay, which are commonly known mechanisms for disease. Truncations downstream of this position have been classified as pathogenic by our laboratory. The variant was absent in 71080 control chromosomes (gnomAD). To our knowledge, no occurrence of c.1282C>T in individuals affected with Mucopolysaccharidosis Type 1 and no experimental evidence demonstrating its impact on protein function have been reported. No clinical diagnostic laboratories have submitted clinical-significance assessments for this variant to ClinVar after 2014. Based on the evidence outlined above, the variant was classified as likely pathogenic.